The following is an entry in ClinVar:

NM_001367857.2(SATL1):c.97del (p.Asp33fs)

Gene: SATL1 (spermidine/spermine N1-acetyl transferase like 1; minus strand). Cytogenetic location: Xq21.1.
Variant type: Deletion.
Coding change: c.97del on transcript NM_001367857.2 (MANE Select); coding-DNA position 97, one base deleted (G; older notation c.97delG).
Protein change: p.Asp33fs; shifts the reading frame from aspartic acid 33.
Molecular consequence: frameshift variant.
Genome position (GRCh38, 1-based): chrX:85,108,872, C deleted on the plus strand (G on the coding strand, the reverse complement: SATL1 is on the minus strand); the first of 2 consecutive C bases (chrX:85,108,872-85,108,873); deleting either gives the same sequence. VCF-style (leftmost placement, unchanged base first): chrX-85108871-TC-T. GRCh37 (hg19) VCF-style: chrX-84363877-TC-T.
Other names: c.97del, p.Asp33fs (NM_001012980.2, NM_001367858.2); c.97delG (NM_001012980.2); short protein forms D33fs.
Identifiers: ClinVar variation 3354005 (VCV003354005.1).

ClinVar aggregate classification (germline): Uncertain significance (0 of 4 stars; one submission).

Conditions:
SATL1-related disorder. Also called: SATL1-related condition.

Submission:

PreventionGenetics, part of Exact Sciences
Classification: Uncertain significance for SATL1-related condition. Last evaluated: 2024-03-27. Review status: no assertion criteria provided. Collection method: clinical testing. Allele origin: germline.
Comment: The SATL1 c.97delG variant is predicted to result in a frameshift and premature protein termination (p.Asp33Thrfs*2). To our knowledge, this variant has not been reported in the literature or in a large population database, indicating this variant is rare. Loss-of-function is not an established mechanism of disease for the SATL1 gene and gnomAD data indicate this variant type is generally tolerated (pLI=0). At this time, the clinical significance of this variant is uncertain due to the absence of conclusive functional and genetic evidence.